The following is an entry in ClinVar:

ClinVar aggregate classification (germline): Pathogenic (1 of 4 stars; one submission).

Allele frequency attached by ClinVar (database versions not stated): gnomAD exomes 0.00001.

Submission:

Labcorp Genetics (formerly Invitae), Labcorp
Classification: Pathogenic. Last evaluated: 2023-03-11. Review status: criteria provided, single submitter. Criteria: Invitae Variant Classification Sherloc (09022015). Collection method: clinical testing. Allele origin: germline.
Comment: This sequence change creates a premature translational stop signal (p.Gln609Hisfs*7) in the TRPM1 gene. It is expected to result in an absent or disrupted protein product. Loss-of-function variants in TRPM1 are known to be pathogenic (PMID: 19896113, 19966281, 20300565). This variant is present in population databases (no rsID available, gnomAD 0.002%). This variant has not been reported in the literature in individuals affected with TRPM1-related conditions. ClinVar contains an entry for this variant (Variation ID: 1951885). Algorithms developed to predict the effect of sequence changes on RNA splicing suggest that this variant may create or strengthen a splice site. For these reasons, this variant has been classified as Pathogenic.

Literature cited by the submitters: PubMed 19896113; PubMed 19966281; PubMed 20300565.

NM_001252024.2(TRPM1):c.1893del (p.Gln631fs)

Gene: TRPM1 (transient receptor potential cation channel subfamily M member 1; minus strand). Cytogenetic location: 15q13.3.
Variant type: Deletion.
Coding change: c.1893del on transcript NM_001252024.2 (MANE Select); coding-DNA position 1893, one base deleted (G; older notation c.1893delG).
Protein change: p.Gln631fs; shifts the reading frame from glutamine 631.
Molecular consequence: frameshift variant.
Genome position (GRCh38, 1-based): chr15:31,042,145, C deleted on the plus strand (G on the coding strand, the reverse complement: TRPM1 is on the minus strand). VCF-style (leftmost placement, unchanged base first): chr15-31042144-AC-A. GRCh37 (hg19) VCF-style: chr15-31334347-AC-A.
Other names: c.1944del, p.Gln648fs (NM_001252020.2); c.1827del, p.Gln609fs (NM_002420.6); short protein forms Q609fs, Q631fs, Q648fs.
Identifiers: ClinVar variation 1951885 (VCV001951885.5), dbSNP rs1567013693, ClinGen allele CA617553128.